The following is an entry in ClinVar:

ClinVar aggregate classification (germline): Uncertain significance. Review status: criteria provided, multiple submitters, no conflicts (2 of 4 stars). 2 submissions from 2 submitters: Uncertain significance (2). Last evaluated 2025-10-01.

Conditions:
Ataxia-telangiectasia syndrome (AT). Also called: Cerebello-oculocutaneous telangiectasia; Immunodeficiency with ataxia telangiectasia; Ataxia-telangiectasia, complementation group E; Ataxia telangiectasia (A-T); LOUIS-BAR SYNDROME; Ataxia-telangiectasia, complementation group D. Identifiers: Orphanet 100, MedGen C0004135, MONDO:0008840, OMIM 208900.
Hereditary cancer-predisposing syndrome. Also called: Hereditary neoplastic syndrome; Hereditary Cancer Syndrome; Neoplastic Syndromes, Hereditary; Tumor predisposition. Identifiers: Orphanet 140162, MedGen C0027672, MeSH D009386, MONDO:0015356.

Submissions (2):

Ambry Genetics
Classification: Uncertain significance for Hereditary cancer-predisposing syndrome. Last evaluated: 2025-10-01. Review status: criteria provided, single submitter. Criteria: Ambry Variant Classification Scheme 2023. Collection method: clinical testing. Allele origin: germline.
Comment: The c.5762+5T>C intronic variant results from a T to C substitution 5 nucleotides after coding exon 37 in the ATM gene. This nucleotide position is well conserved in available vertebrate species. In silico splice site analysis predicts that this alteration will not have any significant effect on splicing. Based on the available evidence, the clinical significance of this variant remains unclear.

Labcorp Genetics (formerly Invitae), Labcorp
Classification: Uncertain significance for Ataxia-telangiectasia syndrome. Last evaluated: 2025-03-25. Review status: criteria provided, single submitter. Criteria: Invitae Variant Classification Sherloc (09022015). Collection method: clinical testing. Allele origin: germline.
Comment: This sequence change falls in intron 38 of the ATM gene. It does not directly change the encoded amino acid sequence of the ATM protein. It affects a nucleotide within the consensus splice site. This variant is not present in population databases (gnomAD no frequency). This variant has not been reported in the literature in individuals affected with ATM-related conditions. Variants that disrupt the consensus splice site are a relatively common cause of aberrant splicing (PMID: 17576681, 9536098). Algorithms developed to predict the effect of sequence changes on RNA splicing suggest that this variant is not likely to affect RNA splicing. In summary, the available evidence is currently insufficient to determine the role of this variant in disease. Therefore, it has been classified as a Variant of Uncertain Significance.

Literature cited by the submitters: PubMed 17576681 (cited by Labcorp Genetics (formerly Invitae), Labcorp); PubMed 9536098 (cited by Labcorp Genetics (formerly Invitae), Labcorp).

NM_000051.4(ATM):c.5762+5T>C

Gene: ATM (ATM serine/threonine kinase; plus strand). Cytogenetic location: 11q22.3.
Variant type: single nucleotide variant.
Coding change: c.5762+5T>C on transcript NM_000051.4 (MANE Select); 5 bases into the intron after coding-DNA position 5762, T replaced by C.
Molecular consequence: intron variant.
Genome position (GRCh38, 1-based): chr11:108,307,989, T>C. VCF-style: chr11-108307989-T-C. GRCh37 (hg19) VCF-style: chr11-108178716-T-C.
Other names: c.5762+5T>C (NM_001351834.2).
Identifiers: ClinVar variation 4617439 (VCV004617439.1).